The following is an entry in ClinVar:

NM_174878.3(CLRN1):c.319A>G (p.Ile107Val)

Gene: CLRN1 (clarin 1; minus strand). Cytogenetic location: 3q25.1.
Variant type: single nucleotide variant.
Coding change: c.319A>G on transcript NM_174878.3 (MANE Select); coding-DNA position 319, A replaced by G.
Protein change: p.Ile107Val; replaces isoleucine 107 with valine.
Molecular consequence: missense variant. On other transcripts: non-coding transcript variant (1).
Genome position (GRCh38, 1-based): chr3:150,941,696, T>C on the plus strand (A>G on the coding strand, the complement: CLRN1 is on the minus strand). VCF-style: chr3-150941696-T-C. GRCh37 (hg19) VCF-style: chr3-150659483-T-C.
Other names: c.319A>G, p.Ile107Val (NM_001195794.1); c.491A>G, p.His164Arg (NM_001256819.2); c.91A>G, p.Ile31Val (NM_052995.2); short protein forms H164R, I31V, I107V.
Identifiers: ClinVar variation 2161366 (VCV002161366.1), dbSNP rs931596820, ClinGen allele CA85691745.

ClinVar aggregate classification (germline): Uncertain significance (1 of 4 stars; one submission).

Submission:

Labcorp Genetics (formerly Invitae), Labcorp
Classification: Uncertain significance. Last evaluated: 2022-04-03. Review status: criteria provided, single submitter. Criteria: Invitae Variant Classification Sherloc (09022015). Collection method: clinical testing. Allele origin: germline.
Comment: This sequence change replaces isoleucine, which is neutral and non-polar, with valine, which is neutral and non-polar, at codon 107 of the CLRN1 protein (p.Ile107Val). This variant is not present in population databases (gnomAD no frequency). This variant has not been reported in the literature in individuals affected with CLRN1-related conditions. Algorithms developed to predict the effect of missense changes on protein structure and function (SIFT, PolyPhen-2, Align-GVGD) all suggest that this variant is likely to be tolerated. In summary, the available evidence is currently insufficient to determine the role of this variant in disease. Therefore, it has been classified as a Variant of Uncertain Significance.